The following is an entry in ClinVar:

ClinVar aggregate classification (germline): Uncertain significance. Review status: criteria provided, single submitter (1 of 4 stars). 2 submissions from 2 submitters: Uncertain significance (1). 1 of the submissions does not count toward it. Last evaluated 2022-12-13.

Conditions:
Intellectual developmental disorder, X-linked, syndromic, Hedera type. Also called: Syndromic X-linked intellectual disability Hedera type. Identifiers: Orphanet 93952, MedGen C1845543, MONDO:0010319, OMIM 300423.
ATP6AP2-related disorder. Identifiers: MedGen CN294805, MONDO:0100146.

Submissions (2):

Labcorp Genetics (formerly Invitae), Labcorp
Classification: Uncertain significance for Intellectual developmental disorder, X-linked, syndromic, Hedera type. Last evaluated: 2022-12-13. Review status: criteria provided, single submitter. Criteria: Invitae Variant Classification Sherloc (09022015). Collection method: clinical testing. Allele origin: germline.
Comment: In summary, the available evidence is currently insufficient to determine the role of this variant in disease. Therefore, it has been classified as a Variant of Uncertain Significance. Variants that disrupt the consensus splice site are a relatively common cause of aberrant splicing (PMID: 17576681, 9536098). Algorithms developed to predict the effect of sequence changes on RNA splicing suggest that this variant may disrupt the consensus splice site. This variant has not been reported in the literature in individuals affected with ATP6AP2-related conditions. This variant is not present in population databases (gnomAD no frequency). This sequence change falls in intron 8 of the ATP6AP2 gene. It does not directly change the encoded amino acid sequence of the ATP6AP2 protein. It affects a nucleotide within the consensus splice site.

PreventionGenetics, part of Exact Sciences
Classification: Uncertain significance for ATP6AP2-related condition. Last evaluated: 2024-01-02. Review status: no assertion criteria provided. Collection method: clinical testing. Allele origin: germline. Not counted in ClinVar's aggregate classification.
Comment: The ATP6AP2 c.858+4A>G variant is predicted to interfere with splicing. This variant is predicted to alter splicing based on available splicing prediction programs (Alamut Visual plus v1.6.1). However, such computer prediction programs are imperfect. To our knowledge, this variant has not been reported in the literature or in a large population database, indicating this variant is rare. At this time, the clinical significance of this variant is uncertain due to the absence of conclusive functional and genetic evidence.

Literature cited by the submitters: PubMed 17576681 (cited by Labcorp Genetics (formerly Invitae), Labcorp); PubMed 9536098 (cited by Labcorp Genetics (formerly Invitae), Labcorp).

NM_005765.3(ATP6AP2):c.858+4A>G

Gene: ATP6AP2 (ATPase H+ transporting accessory protein 2; plus strand). Cytogenetic location: Xp11.4.
Variant type: single nucleotide variant.
Coding change: c.858+4A>G on transcript NM_005765.3 (MANE Select); 4 bases into the intron after coding-DNA position 858, A replaced by G.
Molecular consequence: intron variant.
Genome position (GRCh38, 1-based): chrX:40,600,885, A>G. VCF-style: chrX-40600885-A-G. GRCh37 (hg19) VCF-style: chrX-40460137-A-G.
Other names: c.858+4A>G (NM_005765.2).
Identifiers: ClinVar variation 2810452 (VCV002810452.5), dbSNP rs2518966944, ClinGen allele CA2739273408.